The following is an entry in ClinVar:

ClinVar aggregate classification (germline): Uncertain significance. Review status: criteria provided, multiple submitters, no conflicts (2 of 4 stars). 2 submissions from 2 submitters: Uncertain significance (2). Last evaluated 2024-12-05.

Conditions:
Spastic paraplegia. Identifiers: MedGen C0037772, HP:0001258.
Inborn genetic diseases. Identifiers: MedGen C0950123, MeSH D030342.

Allele frequency attached by ClinVar (database versions not stated): gnomAD 0.00002; TOPMed 0.00003; gnomAD exomes below 0.00001.
gnomAD v4.1: 4 of 1,614,138 alleles (0.00025%); highest among the groups gnomAD compares: African/African-American, 0.0053%; no homozygotes.

Submissions (2):

Ambry Genetics
Classification: Uncertain significance for Inborn genetic diseases. Last evaluated: 2024-12-05. Review status: criteria provided, single submitter. Criteria: Ambry Variant Classification Scheme 2023. Collection method: clinical testing. Allele origin: germline.

Labcorp Genetics (formerly Invitae), Labcorp
Classification: Uncertain significance for Spastic paraplegia. Last evaluated: 2024-02-24. Review status: criteria provided, single submitter. Criteria: Invitae Variant Classification Sherloc (09022015). Collection method: clinical testing. Allele origin: germline.
Comment: This sequence change replaces cysteine, which is neutral and slightly polar, with arginine, which is basic and polar, at codon 502 of the ZFYVE26 protein (p.Cys502Arg). This variant is present in population databases (no rsID available, gnomAD 0.01%). This variant has not been reported in the literature in individuals affected with ZFYVE26-related conditions. ClinVar contains an entry for this variant (Variation ID: 527979). An algorithm developed to predict the effect of missense changes on protein structure and function (PolyPhen-2) suggests that this variant is likely to be disruptive. In summary, the available evidence is currently insufficient to determine the role of this variant in disease. Therefore, it has been classified as a Variant of Uncertain Significance.

NM_015346.4(ZFYVE26):c.1504T>C (p.Cys502Arg)

Gene: ZFYVE26 (zinc finger FYVE-type containing 26; minus strand). Cytogenetic location: 14q24.1.
Variant type: single nucleotide variant.
Coding change: c.1504T>C on transcript NM_015346.4 (MANE Select); coding-DNA position 1504, T replaced by C.
Protein change: p.Cys502Arg; replaces cysteine 502 with arginine.
Molecular consequence: missense variant.
Genome position (GRCh38, 1-based): chr14:67,802,214, A>G on the plus strand (T>C on the coding strand, the complement: ZFYVE26 is on the minus strand). VCF-style: chr14-67802214-A-G. GRCh37 (hg19) VCF-style: chr14-68268931-A-G.
Other names: short protein forms C502R.
Identifiers: ClinVar variation 527979 (VCV000527979.9), dbSNP rs1035299180, ClinGen allele CA262870881.